The following is an entry in ClinVar:

ClinVar aggregate classification (germline): Uncertain significance (1 of 4 stars; one submission).

Conditions:
DICER1-related tumor predisposition. Also called: DICER1 syndrome; DICER1-related pleuropulmonary blastoma cancer predisposition syndrome. Identifiers: Orphanet 284343, MedGen C3839822, MONDO:0100216.

Submission:

Labcorp Genetics (formerly Invitae), Labcorp
Classification: Uncertain significance for DICER1-related tumor predisposition. Last evaluated: 2020-04-21. Review status: criteria provided, single submitter. Criteria: Invitae Variant Classification Sherloc (09022015). Collection method: clinical testing. Allele origin: germline.
Comment: Algorithms developed to predict the effect of missense changes on protein structure and function (SIFT, PolyPhen-2, Align-GVGD) all suggest that this variant is likely to be disruptive, but these predictions have not been confirmed by published functional studies and their clinical significance is uncertain. This variant has not been reported in the literature in individuals with DICER1-related conditions. This variant is not present in population databases (ExAC no frequency). This sequence change replaces alanine with serine at codon 454 of the DICER1 protein (p.Ala454Ser). The alanine residue is highly conserved and there is a moderate physicochemical difference between alanine and serine. In summary, the available evidence is currently insufficient to determine the role of this variant in disease. Therefore, it has been classified as a Variant of Uncertain Significance.

NM_177438.3(DICER1):c.1360G>T (p.Ala454Ser)

Gene: DICER1 (dicer 1, ribonuclease III; minus strand). Cytogenetic location: 14q32.13.
Variant type: single nucleotide variant.
Coding change: c.1360G>T on transcript NM_177438.3 (MANE Select); coding-DNA position 1360, G replaced by T.
Protein change: p.Ala454Ser; replaces alanine 454 with serine.
Molecular consequence: missense variant.
Genome position (GRCh38, 1-based): chr14:95,124,212, C>A on the plus strand (G>T on the coding strand, the complement: DICER1 is on the minus strand). VCF-style: chr14-95124212-C-A. GRCh37 (hg19) VCF-style: chr14-95590549-C-A.
Other names: c.1360G>T, p.Ala454Ser (NM_001195573.1, NM_001271282.3, NM_001291628.2 and 1 more transcripts); short protein forms A454S.
Identifiers: ClinVar variation 1026368 (VCV001026368.10), dbSNP rs368535616, ClinGen allele CA390886140.